The following is an entry in ClinVar:

NM_006031.6(PCNT):c.6660C>T (p.Asp2220=)

Gene: PCNT (pericentrin; plus strand). Cytogenetic location: 21q22.3.
Variant type: single nucleotide variant.
Coding change: c.6660C>T on transcript NM_006031.6 (MANE Select); coding-DNA position 6660, C replaced by T.
Protein change: p.Asp2220=; no amino-acid change (aspartic acid 2220 retained).
Molecular consequence: synonymous variant.
Genome position (GRCh38, 1-based): chr21:46,416,578, C>T. VCF-style: chr21-46416578-C-T. GRCh37 (hg19) VCF-style: chr21-47836492-C-T.
Other names: c.6660C>T (NM_006031.5); c.6306C>T, p.Asp2102= (NM_001315529.2).
Identifiers: ClinVar variation 2991788 (VCV002991788.4), dbSNP rs2518830155, ClinGen allele CA513174609.

ClinVar aggregate classification (germline): Likely benign. Review status: criteria provided, multiple submitters, no conflicts (2 of 4 stars). 2 submissions from 2 submitters: Likely benign (2). Last evaluated 2025-10-30.

Conditions:
PCNT-related disorder. Also called: PCNT-related condition.

Allele frequency attached by ClinVar (database versions not stated): gnomAD exomes below 0.00001.
gnomAD v4.1: 2 of 1,609,682 alleles (0.00012%); highest among the groups gnomAD compares: Admixed American, 0.0017%; no homozygotes.

Submissions (2):

PreventionGenetics, part of Exact Sciences
Classification: Likely benign for PCNT-related condition. Last evaluated: 2025-10-30. Review status: criteria provided, single submitter. Criteria: ACMG Guidelines, 2015. Collection method: clinical testing. Allele origin: germline.
Comment: This variant is classified as likely benign based on ACMG/AMP sequence variant interpretation guidelines (Richards et al. 2015 PMID: 25741868, with internal and published modifications).

Labcorp Genetics (formerly Invitae), Labcorp
Classification: Likely benign. Last evaluated: 2023-03-28. Review status: criteria provided, single submitter. Criteria: Invitae Variant Classification Sherloc (09022015). Collection method: clinical testing. Allele origin: germline.